The following is an entry in ClinVar:

NM_002160.4(TNC):c.1822C>T (p.Arg608Cys)

Gene: TNC (tenascin C; minus strand). Cytogenetic location: 9q33.1.
Variant type: single nucleotide variant.
Coding change: c.1822C>T on transcript NM_002160.4 (MANE Select); coding-DNA position 1822, C replaced by T.
Protein change: p.Arg608Cys; replaces arginine 608 with cysteine.
Molecular consequence: missense variant.
Genome position (GRCh38, 1-based): chr9:115,085,909, G>A on the plus strand (C>T on the coding strand, the complement: TNC is on the minus strand). VCF-style: chr9-115085909-G-A. GRCh37 (hg19) VCF-style: chr9-117848188-G-A.
Other names: short protein forms R608C.
Identifiers: ClinVar variation 1065093 (VCV001065093.7), dbSNP rs138819573, ClinGen allele CA5208720.

ClinVar aggregate classification (germline): Uncertain significance. Review status: criteria provided, multiple submitters, no conflicts (2 of 4 stars). 3 submissions from 3 submitters: Uncertain significance (3). Last evaluated 2025-11-13.

Conditions:
TNC-related disorder. Also called: TNC-related condition.
Hearing impairment. Also called: Impaired Hearing. Identifiers: MedGen C1384666, MONDO:0005365, HP:0000365.

Allele frequency attached by ClinVar (database versions not stated): gnomAD exomes 0.00006 and 0.00010; TOPMed 0.00006; ExAC 0.00007; ESP Exome Variant Server 0.00008; gnomAD 0.00009.
gnomAD v4.1: 162 of 1,612,520 alleles (0.01%); highest among the groups gnomAD compares: Non-Finnish European, 0.012%; no homozygotes.

Submissions (3):

PreventionGenetics, part of Exact Sciences
Classification: Uncertain significance for TNC-related condition. Last evaluated: 2025-11-13. Review status: criteria provided, single submitter. Criteria: ACMG Guidelines, 2015. Collection method: clinical testing. Allele origin: germline.
Comment: The TNC c.1822C>T variant is predicted to result in the amino acid substitution p.Arg608Cys. This variant was reported in an individual with autism (Supplementary Data 1, Zhou et al. 2022. PubMed ID: 35982159). This variant is reported in 0.012% of alleles in individuals of European (Non-Finnish) descent in gnomAD. At this time, the clinical significance of this variant is uncertain due to the absence of conclusive functional and genetic evidence.

Ambry Genetics
Classification: Uncertain significance. Last evaluated: 2021-12-07. Review status: criteria provided, single submitter. Criteria: Ambry Variant Classification Scheme 2023. Collection method: clinical testing. Allele origin: germline.

Department of Otolaryngology – Head & Neck Surgery, Cochlear Implant Center
Classification: Uncertain significance for Hearing impairment. Last evaluated: 2021-04-12. Review status: criteria provided, single submitter. Criteria: ClinGen HL ACMG Specifications v1. Collection method: clinical testing. Allele origin: germline. Affected: yes.
Comment: PP3_Supporting, BS2_Strong